The following is an entry in ClinVar:

ClinVar aggregate classification (germline): Uncertain significance. Review status: criteria provided, multiple submitters, no conflicts (2 of 4 stars). 2 submissions from 2 submitters: Uncertain significance (2). Last evaluated 2024-07-16.

Submissions (2):

GeneDx
Classification: Uncertain significance. Last evaluated: 2024-07-16. Review status: criteria provided, single submitter. Criteria: GeneDx Variant Classification Process June 2021. Collection method: clinical testing. Allele origin: germline. Affected: yes.
Comment: Not observed at significant frequency in large population cohorts (gnomAD); In silico analysis supports that this missense variant has a deleterious effect on protein structure/function; Has not been previously published as pathogenic or benign to our knowledge

Labcorp Genetics (formerly Invitae), Labcorp
Classification: Uncertain significance. Last evaluated: 2022-05-12. Review status: criteria provided, single submitter. Criteria: Invitae Variant Classification Sherloc (09022015). Collection method: clinical testing. Allele origin: germline.
Comment: In summary, the available evidence is currently insufficient to determine the role of this variant in disease. Therefore, it has been classified as a Variant of Uncertain Significance. Advanced modeling of protein sequence and biophysical properties (such as structural, functional, and spatial information, amino acid conservation, physicochemical variation, residue mobility, and thermodynamic stability) performed at Invitae indicates that this missense variant is expected to disrupt PHIP protein function. This missense change has been observed in individual(s) with clinical features consistent of intellectual disability syndrome (Invitae). This variant is not present in population databases (gnomAD no frequency). This sequence change replaces cysteine, which is neutral and slightly polar, with tryptophan, which is neutral and slightly polar, at codon 245 of the PHIP protein (p.Cys245Trp).

NM_017934.7(PHIP):c.735T>G (p.Cys245Trp)

Gene: PHIP (PHIP subunit of CUL4-Ring ligase complex; minus strand). Cytogenetic location: 6q14.1.
Variant type: single nucleotide variant.
Coding change: c.735T>G on transcript NM_017934.7 (MANE Select); coding-DNA position 735, T replaced by G.
Protein change: p.Cys245Trp; replaces cysteine 245 with tryptophan.
Molecular consequence: missense variant.
Genome position (GRCh38, 1-based): chr6:79,026,030, A>C on the plus strand (T>G on the coding strand, the complement: PHIP is on the minus strand). VCF-style: chr6-79026030-A-C. GRCh37 (hg19) VCF-style: chr6-79735747-A-C.
Other names: c.735T>G (NM_017934.5); short protein forms C245W.
Identifiers: ClinVar variation 1993390 (VCV001993390.5), dbSNP rs2482189259, ClinGen allele CA364639856.